The following is an entry in ClinVar:

ClinVar aggregate classification (germline): Uncertain significance. Review status: criteria provided, multiple submitters, no conflicts (2 of 4 stars). 2 submissions from 2 submitters: Uncertain significance (2). Last evaluated 2024-05-29.

Conditions:
Autosomal recessive Robinow syndrome (RRS1). Also called: COSTOVERTEBRAL SEGMENTATION DEFECT WITH MESOMELIA; COVESDEM SYNDROME; ROR2-Related Robinow Syndrome; ROBINOW SYNDROME, AUTOSOMAL RECESSIVE 1. Identifiers: Orphanet 1507, Orphanet 97360, MedGen C5399974, MONDO:0009999, OMIM 268310.
Brachydactyly type B1 (BDB1). Identifiers: Orphanet 572385, Orphanet 93383, MedGen C1862112, MONDO:0007220, OMIM 113000.

gnomAD v4.1: 17 of 1,613,650 alleles (0.0011%); highest among the groups gnomAD compares: Non-Finnish European, 0.0014%; no homozygotes.

Submissions (2):

Labcorp Genetics (formerly Invitae), Labcorp
Classification: Uncertain significance. Last evaluated: 2024-05-29. Review status: criteria provided, single submitter. Criteria: Invitae Variant Classification Sherloc (09022015). Collection method: clinical testing. Allele origin: germline.
Comment: This sequence change replaces valine, which is neutral and non-polar, with alanine, which is neutral and non-polar, at codon 640 of the ROR2 protein (p.Val640Ala). This variant is present in population databases (rs775744985, gnomAD 0.002%). This variant has not been reported in the literature in individuals affected with ROR2-related conditions. Advanced modeling of protein sequence and biophysical properties (such as structural, functional, and spatial information, amino acid conservation, physicochemical variation, residue mobility, and thermodynamic stability) performed at Invitae indicates that this missense variant is not expected to disrupt ROR2 protein function with a negative predictive value of 80%. In summary, the available evidence is currently insufficient to determine the role of this variant in disease. Therefore, it has been classified as a Variant of Uncertain Significance.

Fulgent Genetics
Classification: Uncertain significance for Brachydactyly type B1; Autosomal recessive Robinow syndrome. Last evaluated: 2024-05-21. Review status: criteria provided, single submitter. Criteria: ACMG Guidelines, 2015. Collection method: clinical testing. Allele origin: germline.

NM_004560.4(ROR2):c.1919T>C (p.Val640Ala)

Gene: ROR2 (receptor tyrosine kinase like orphan receptor 2; minus strand). Cytogenetic location: 9q22.31.
Variant type: single nucleotide variant.
Coding change: c.1919T>C on transcript NM_004560.4 (MANE Select); coding-DNA position 1919, T replaced by C.
Protein change: p.Val640Ala; replaces valine 640 with alanine.
Molecular consequence: missense variant.
Genome position (GRCh38, 1-based): chr9:91,724,575, A>G on the plus strand (T>C on the coding strand, the complement: ROR2 is on the minus strand). VCF-style: chr9-91724575-A-G. GRCh37 (hg19) VCF-style: chr9-94486857-A-G.
Other names: short protein forms V640A.
Identifiers: ClinVar variation 3597734 (VCV003597734.3).